The following is an entry in ClinVar:

ClinVar aggregate classification (germline): Uncertain significance (1 of 4 stars; one submission).

Submission:

Labcorp Genetics (formerly Invitae), Labcorp
Classification: Uncertain significance. Last evaluated: 2019-12-22. Review status: criteria provided, single submitter. Criteria: Invitae Variant Classification Sherloc (09022015). Collection method: clinical testing. Allele origin: germline.
Comment: This sequence change replaces serine with methionine at codon 615 of the POLE protein (p.Ser615Met). The serine residue is weakly conserved and there is a moderate physicochemical difference between serine and methionine. In summary, the available evidence is currently insufficient to determine the role of this variant in disease. Therefore, it has been classified as a Variant of Uncertain Significance. Algorithms developed to predict the effect of missense changes on protein structure and function are either unavailable or do not agree on the potential impact of this missense change (SIFT: "Deleterious"; PolyPhen-2: "Benign"; Align-GVGD: "Class C0"). This variant has not been reported in the literature in individuals with POLE-related conditions. This variant is not present in population databases (ExAC no frequency).

NM_006231.4(POLE):c.1844_1845delinsTG (p.Ser615Met)

Gene: POLE (DNA polymerase epsilon, catalytic subunit; minus strand). Cytogenetic location: 12q24.33.
Variant type: Indel.
Coding change: c.1844_1845delinsTG on transcript NM_006231.4 (MANE Select); coding-DNA positions 1844 to 1845, GC replaced by TG.
Protein change: p.Ser615Met; replaces serine 615 with methionine.
Molecular consequence: missense variant.
Genome position (GRCh38, 1-based): chr12:132,668,889-132,668,890, GC replaced by CA on the plus strand (GC replaced by TG on the coding strand, the reverse complement: POLE is on the minus strand). VCF-style: chr12-132668889-GC-CA. GRCh37 (hg19) VCF-style: chr12-133245475-GC-CA.
Other names: short protein forms S615M.
Identifiers: ClinVar variation 847574 (VCV000847574.8), dbSNP rs2042861462, ClinGen allele CA916082371.